The following is an entry in ClinVar:

ClinVar aggregate classification (germline): Uncertain significance (1 of 4 stars; one submission).

Submission:

Labcorp Genetics (formerly Invitae), Labcorp
Classification: Uncertain significance. Last evaluated: 2024-10-17. Review status: criteria provided, single submitter. Criteria: Invitae Variant Classification Sherloc (09022015). Collection method: clinical testing. Allele origin: germline.
Comment: This sequence change replaces isoleucine, which is neutral and non-polar, with threonine, which is neutral and polar, at codon 500 of the HMCN1 protein (p.Ile500Thr). This variant is not present in population databases (gnomAD no frequency). This variant has not been reported in the literature in individuals affected with HMCN1-related conditions. An algorithm developed to predict the effect of missense changes on protein structure and function (PolyPhen-2) suggests that this variant is likely to be tolerated. In summary, the available evidence is currently insufficient to determine the role of this variant in disease. Therefore, it has been classified as a Variant of Uncertain Significance.

NM_031935.3(HMCN1):c.1499T>C (p.Ile500Thr)

Gene: HMCN1 (hemicentin 1; plus strand). Cytogenetic location: 1q31.1.
Variant type: single nucleotide variant.
Coding change: c.1499T>C on transcript NM_031935.3 (MANE Select); coding-DNA position 1499, T replaced by C.
Protein change: p.Ile500Thr; replaces isoleucine 500 with threonine.
Molecular consequence: missense variant.
Genome position (GRCh38, 1-based): chr1:185,928,614, T>C. VCF-style: chr1-185928614-T-C. GRCh37 (hg19) VCF-style: chr1-185897746-T-C.
Other names: short protein forms I500T.
Identifiers: ClinVar variation 3691828 (VCV003691828.2).
Genomic context (GRCh38, chr1:185,928,614, plus strand): 5'-CCAGTGTGAACTTAGATATTGCAAAGGTCACTTTGTCTGACGAAGGTTTCTATGAATGCA[T>C]TGCTGTCAGCAGTGCAGGTACTGGACGGGCACAGACATTTTTTGACGTATCAGGTAATTA-3'
Protein context (NP_114141.2, residues 490-510): TLSDEGFYEC[Ile500Thr]AVSSAGTGRA